The following is an entry in ClinVar:

ClinVar aggregate classification (germline): Uncertain significance (1 of 4 stars; one submission).

Conditions:
Fanconi anemia (FA). Also called: Fanconi's anemia. Identifiers: Orphanet 84, MedGen C0015625, MeSH D005199, MONDO:0019391.

gnomAD v4.1: 1 of 1,613,946 alleles (0.000062%); no homozygotes.

Submission:

Labcorp Genetics (formerly Invitae), Labcorp
Classification: Uncertain significance for Fanconi anemia. Last evaluated: 2022-07-02. Review status: criteria provided, single submitter. Criteria: Invitae Variant Classification Sherloc (09022015). Collection method: clinical testing. Allele origin: germline.
Comment: This sequence change replaces isoleucine, which is neutral and non-polar, with threonine, which is neutral and polar, at codon 683 of the FANCI protein (p.Ile683Thr). This variant is not present in population databases (gnomAD no frequency). This variant has not been reported in the literature in individuals affected with FANCI-related conditions. Algorithms developed to predict the effect of missense changes on protein structure and function (SIFT, PolyPhen-2, Align-GVGD) all suggest that this variant is likely to be tolerated. In summary, the available evidence is currently insufficient to determine the role of this variant in disease. Therefore, it has been classified as a Variant of Uncertain Significance.

NM_001113378.2(FANCI):c.2048T>C (p.Ile683Thr)

Gene: FANCI (FA complementation group I; plus strand). Cytogenetic location: 15q26.1.
Variant type: single nucleotide variant.
Coding change: c.2048T>C on transcript NM_001113378.2 (MANE Select); coding-DNA position 2048, T replaced by C.
Protein change: p.Ile683Thr; replaces isoleucine 683 with threonine.
Molecular consequence: missense variant.
Genome position (GRCh38, 1-based): chr15:89,292,743, T>C. VCF-style: chr15-89292743-T-C. GRCh37 (hg19) VCF-style: chr15-89835974-T-C.
Other names: c.1769T>C, p.Ile590Thr (NM_001376910.1); c.2048T>C, p.Ile683Thr (NM_001376911.1, NM_018193.3); short protein forms I590T, I683T.
Identifiers: ClinVar variation 1932778 (VCV001932778.2), dbSNP rs2507391268, ClinGen allele CA393748972.
Genomic context (GRCh38, chr15:89,292,743, plus strand): 5'-TACAGGATTATCTGCTGTGTTGTATTCAGCATTGTTTGGCCTGGTATAAGAATACAGTCA[T>C]ACCCTTACAGCAGGGAGAGGAGGAAGAGGAGGAGGAAGAGGCATTCTACGAAGACCTAGA-3'
Protein context (NP_001106849.1, residues 673-693): HCLAWYKNTV[Ile683Thr]PLQQGEEEEE